The following is an entry in ClinVar:

NM_002972.4(SBF1):c.3437A>C (p.Lys1146Thr)

Gene: SBF1 (SET binding factor 1; minus strand). Cytogenetic location: 22q13.33.
Variant type: single nucleotide variant.
Coding change: c.3437A>C on transcript NM_002972.4 (MANE Select); coding-DNA position 3437, A replaced by C.
Protein change: p.Lys1146Thr; replaces lysine 1146 with threonine.
Molecular consequence: missense variant.
Genome position (GRCh38, 1-based): chr22:50,460,006, T>G on the plus strand (A>C on the coding strand, the complement: SBF1 is on the minus strand). VCF-style: chr22-50460006-T-G. GRCh37 (hg19) VCF-style: chr22-50898435-T-G.
Other names: c.3440A>C, p.Lys1147Thr (NM_001365819.1, NM_001410794.1); c.3437A>C, p.Lys1146Thr (NM_001410795.1, NM_197971.1); short protein forms K1146T, K1147T.
Identifiers: ClinVar variation 1996713 (VCV001996713.4), dbSNP rs2521911645, ClinGen allele CA412204946.

ClinVar aggregate classification (germline): Uncertain significance (1 of 4 stars; one submission).

Submission:

Labcorp Genetics (formerly Invitae), Labcorp
Classification: Uncertain significance. Last evaluated: 2022-05-20. Review status: criteria provided, single submitter. Criteria: Invitae Variant Classification Sherloc (09022015). Collection method: clinical testing. Allele origin: germline.
Comment: In summary, the available evidence is currently insufficient to determine the role of this variant in disease. Therefore, it has been classified as a Variant of Uncertain Significance. Algorithms developed to predict the effect of missense changes on protein structure and function are either unavailable or do not agree on the potential impact of this missense change (SIFT: "Deleterious"; PolyPhen-2: "Probably Damaging"; Align-GVGD: "Class C0"). This variant has not been reported in the literature in individuals affected with SBF1-related conditions. This variant is not present in population databases (gnomAD no frequency). This sequence change replaces lysine, which is basic and polar, with threonine, which is neutral and polar, at codon 1146 of the SBF1 protein (p.Lys1146Thr).